The following is an entry in ClinVar:

ClinVar aggregate classification (germline): Likely pathogenic (1 of 4 stars; one submission).

Conditions:
2-aminoadipic 2-oxoadipic aciduria (AAKAD). Also called: Aminoadipic aciduria; ALPHA-AMINOADIPIC AND ALPHA-KETOADIPIC ACIDURIA. Identifiers: Orphanet 79154, MedGen C1859817, MONDO:0008774, OMIM 204750.

Submission:

Labcorp Genetics (formerly Invitae), Labcorp
Classification: Likely pathogenic for 2-aminoadipic 2-oxoadipic aciduria. Last evaluated: 2023-06-15. Review status: criteria provided, single submitter. Criteria: Invitae Variant Classification Sherloc (09022015). Collection method: clinical testing. Allele origin: germline.
Comment: In summary, the currently available evidence indicates that the variant is pathogenic, but additional data are needed to prove that conclusively. Therefore, this variant has been classified as Likely Pathogenic. This variant has not been reported in the literature in individuals affected with DHTKD1-related conditions. This variant results in a copy number gain of the genomic region encompassing exon(s) 3-5 of the DHTKD1 gene. While the exact position of this variant cannot be determined from the data, sub-genic copy number gains are generally in tandem (PMID: 25640679). This variant is predicted to be out-of-frame, and may result in an absent or disrupted protein product. Loss-of-function variants in DHTKD1 are known to be pathogenic (PMID: 23141293, 25860818).

Literature cited by the submitters: PubMed 25640679; PubMed 23141293; PubMed 25860818.

NC_000010.10:g.(?_12126519)_(12131274_?)dup

Gene: DHTKD1 (dehydrogenase E1 and transketolase domain containing 1; plus strand). Cytogenetic location: 10p14.
Variant type: Duplication.
Identifiers: ClinVar variation 1522284 (VCV001522284.7).